The following is an entry in ClinVar:

NM_000466.3(PEX1):c.1700T>G (p.Leu567Trp)

Gene: PEX1 (peroxisomal biogenesis factor 1; minus strand). Cytogenetic location: 7q21.2.
Variant type: single nucleotide variant.
Coding change: c.1700T>G on transcript NM_000466.3 (MANE Select); coding-DNA position 1700, T replaced by G.
Protein change: p.Leu567Trp; replaces leucine 567 with tryptophan.
Molecular consequence: missense variant.
Genome position (GRCh38, 1-based): chr7:92,507,097, A>C on the plus strand (T>G on the coding strand, the complement: PEX1 is on the minus strand). VCF-style: chr7-92507097-A-C. GRCh37 (hg19) VCF-style: chr7-92136411-A-C.
Other names: c.1700T>G, p.Leu567Trp (NM_001282677.2); c.1076T>G, p.Leu359Trp (NM_001282678.2); short protein forms L567W, L359W.
Identifiers: ClinVar variation 860632 (VCV000860632.12), dbSNP rs199989676, ClinGen allele CA4341318.

ClinVar aggregate classification (germline): Conflicting classifications of pathogenicity. Review status: criteria provided, conflicting classifications (1 of 4 stars). 5 submissions from 5 submitters: Uncertain significance (3); Likely benign (1). 1 of the submissions does not count toward it. Last evaluated 2026-08-20.

Conditions:
Inborn genetic diseases. Identifiers: MedGen C0950123, MeSH D030342.
PEX1-related disorder. Also called: PEX1-related condition.
Zellweger spectrum disorders (ZS). Also called: Zellweger Spectrum Disorder (ZSD); Zellweger Spectrum Disorder; Zellweger Spectrum; Zellweger syndrome. Identifiers: Orphanet 912, MedGen C0043459, MONDO:0019609.

Allele frequency attached by ClinVar (database versions not stated): gnomAD exomes 0.00001 and 0.00004; ExAC 0.00006; ESP Exome Variant Server 0.00008; gnomAD 0.00011 and 0.00013; TOPMed 0.00015; 1000 Genomes Project 0.00060; 1000 Genomes Project 30x 0.00062.
gnomAD v4.1: 37 of 1,613,862 alleles (0.0023%); highest among the groups gnomAD compares: African/African-American, 0.043%; no homozygotes.

Submissions (5):

PreventionGenetics, part of Exact Sciences
Classification: Uncertain significance for PEX1-related condition. Last evaluated: 2026-08-20. Review status: criteria provided, single submitter. Criteria: ACMG Guidelines, 2015. Collection method: clinical testing. Allele origin: germline.
Comment: The PEX1 c.1700T>G variant is predicted to result in the amino acid substitution p.Leu567Trp. To our knowledge, this variant has not been reported in the literature. This variant is reported in 0.060% of alleles in individuals of African descent in gnomAD, which may be too frequent to be a primary cause of disease. Although we suspect that this variant may be benign, at this time, the clinical significance of this variant is uncertain due to the absence of conclusive functional and genetic evidence.

Labcorp Genetics (formerly Invitae), Labcorp
Classification: Likely benign for Zellweger spectrum disorders. Last evaluated: 2026-01-31. Review status: criteria provided, single submitter. Criteria: Invitae Variant Classification Sherloc (09022015). Collection method: clinical testing. Allele origin: germline.

Ambry Genetics
Classification: Uncertain significance for Inborn genetic diseases. Last evaluated: 2024-07-14. Review status: criteria provided, single submitter. Criteria: Ambry Variant Classification Scheme 2023. Collection method: clinical testing. Allele origin: germline.

Blueprint Genetics
Classification: Uncertain significance. Last evaluated: 2022-11-18. Review status: criteria provided, single submitter. Criteria: ACMG Guidelines, 2015. Collection method: clinical testing. Allele origin: germline.

Natera, Inc.
Classification: Uncertain significance for Zellweger syndrome. Last evaluated: 2017-11-15. Review status: no assertion criteria provided. Collection method: clinical testing. Allele origin: germline. Not counted in ClinVar's aggregate classification.